The following is an entry in ClinVar:

NM_000416.3(IFNGR1):c.866C>G (p.Ser289Cys)

Gene: IFNGR1 (interferon gamma receptor 1; minus strand). Cytogenetic location: 6q23.3.
Variant type: single nucleotide variant.
Coding change: c.866C>G on transcript NM_000416.3 (MANE Select); coding-DNA position 866, C replaced by G.
Protein change: p.Ser289Cys; replaces serine 289 with cysteine.
Molecular consequence: missense variant.
Genome position (GRCh38, 1-based): chr6:137,198,635, G>C on the plus strand (C>G on the coding strand, the complement: IFNGR1 is on the minus strand). VCF-style: chr6-137198635-G-C. GRCh37 (hg19) VCF-style: chr6-137519772-G-C.
Other names: c.836C>G, p.Ser279Cys (NM_001363526.1); c.743C>G, p.Ser248Cys (NM_001363527.1); short protein forms S248C, S279C, S289C.
Identifiers: ClinVar variation 640371 (VCV000640371.10), dbSNP rs775472233, ClinGen allele CA4018851.

ClinVar aggregate classification (germline): Uncertain significance (1 of 4 stars; one submission).

Conditions:
Disseminated atypical mycobacterial infection. Identifiers: MedGen C0694566.

Allele frequency attached by ClinVar (database versions not stated): gnomAD exomes below 0.00001; ExAC 0.00002.
gnomAD v4.1: 2 of 1,609,468 alleles (0.00012%); highest among the groups gnomAD compares: South Asian, 0.0022%; no homozygotes.

Submission:

Labcorp Genetics (formerly Invitae), Labcorp
Classification: Uncertain significance for Disseminated atypical mycobacterial infection. Last evaluated: 2018-08-08. Review status: criteria provided, single submitter. Criteria: Invitae Variant Classification Sherloc (09022015). Collection method: clinical testing. Allele origin: germline.
Comment: This sequence change replaces serine with cysteine at codon 289 of the IFNGR1 protein (p.Ser289Cys). The serine residue is highly conserved and there is a moderate physicochemical difference between serine and cysteine. This variant is present in population databases (rs775472233, ExAC 0.01%). This variant has not been reported in the literature in individuals with IFNGR1-related disease. Algorithms developed to predict the effect of missense changes on protein structure and function are either unavailable or do not agree on the potential impact of this missense change (SIFT: "Deleterious"; PolyPhen-2: "Probably Damaging"; Align-GVGD: "Class C0"). In summary, the available evidence is currently insufficient to determine the role of this variant in disease. Therefore, it has been classified as a Variant of Uncertain Significance.